The following is an entry in ClinVar:

ClinVar aggregate classification (germline): Uncertain significance (1 of 4 stars; one submission).

Submission:

GeneDx
Classification: Uncertain significance. Last evaluated: 2026-10-01. Review status: criteria provided, single submitter. Criteria: GeneDx Variant Classification Process June 2021. Collection method: clinical testing. Allele origin: germline.
Comment: Not observed at significant frequency in large population cohorts (gnomAD); In silico analysis suggests that this missense variant does not alter protein structure/function; Has not been previously published as pathogenic or benign to our knowledge

NM_001007527.2(LMBRD2):c.299G>A (p.Ser100Asn)

Gene: LMBRD2 (LMBR1 domain containing 2; minus strand). Cytogenetic location: 5p13.2.
Variant type: single nucleotide variant.
Coding change: c.299G>A on transcript NM_001007527.2 (MANE Select); coding-DNA position 299, G replaced by A.
Protein change: p.Ser100Asn; replaces serine 100 with asparagine.
Molecular consequence: missense variant.
Genome position (GRCh38, 1-based): chr5:36,141,176, C>T on the plus strand (G>A on the coding strand, the complement: LMBRD2 is on the minus strand). VCF-style: chr5-36141176-C-T. GRCh37 (hg19) VCF-style: chr5-36141278-C-T.
Other names: short protein forms S100N.
Identifiers: ClinVar variation 3906580 (VCV003906580.2).
Genomic context (GRCh38, chr5:36,141,176, plus strand): 5'-AATTGTGACGTCCAATACACTACCCTCCAGAAAATTGGCATGATTCCATCAGGAATGTAA[C>T]TCCATGGCTTGAAACAAGGATGCTGGCTGTTGAATAAAAAGTTAAAGCCAACTAATCATA-3'
Protein context (NP_001007528.1, residues 90-110): PSQHPCFKPW[Ser100Asn]YIPDGIMPIF